The following is an entry in ClinVar:

ClinVar aggregate classification (germline): Pathogenic. Review status: reviewed by expert panel (3 of 4 stars). 6 submissions from 6 submitters: Pathogenic (1). 5 of the submissions do not count toward it. Last evaluated 2016-09-08.

Conditions:
Hereditary cancer-predisposing syndrome. Also called: Tumor predisposition; Hereditary neoplastic syndrome; Neoplastic Syndromes, Hereditary; Hereditary Cancer Syndrome. Identifiers: Orphanet 140162, MedGen C0027672, MeSH D009386, MONDO:0015356.
Hereditary breast ovarian cancer syndrome. Also called: Hereditary breast and ovarian cancer syndrome (HBOC); Hereditary breast and ovarian cancer; Hereditary breast and ovarian cancer syndrome; Breast and ovarian cancer; Hereditary breast and/or ovarian cancer syndrome; BRCA1- and BRCA2-Associated Hereditary Breast and Ovarian Cancer. Identifiers: Orphanet 145, MedGen C0677776, MeSH D061325, MONDO:0003582. Disease mechanism: loss of function.
Breast-ovarian cancer, familial, susceptibility to, 1 (BROVCA1). Also called: BRCA1 Hereditary Breast and Ovarian Cancer; OVARIAN CANCER, SUSCEPTIBILITY TO. Identifiers: Orphanet 145, MedGen C2676676, MONDO:0011450, OMIM 604370. Disease mechanism: loss of function.

Submissions (6):

Evidence-based Network for the Interpretation of Germline Mutant Alleles (ENIGMA)
Classification: Pathogenic for Breast-ovarian cancer, familial, susceptibility to, 1. Last evaluated: 2016-09-08. Review status: reviewed by expert panel. Criteria: ENIGMA BRCA1/2 Classification Criteria (2015). Collection method: curation. Allele origin: germline.
Comment: Variant allele predicted to encode a truncated non-functional protein.

Ambry Genetics
Classification: Pathogenic for Hereditary cancer-predisposing syndrome. Last evaluated: 2025-01-10. Review status: criteria provided, single submitter. Criteria: Ambry Variant Classification Scheme 2023. Collection method: clinical testing. Allele origin: germline. Not counted in ClinVar's aggregate classification.
Comment: The c.2188dupG pathogenic mutation, located in coding exon 9 of the BRCA1 gene, results from a duplication of G at nucleotide position 2188, causing a translational frameshift with a predicted alternate stop codon (p.E730Gfs*10). This alteration is expected to result in loss of function by premature protein truncation or nonsense-mediated mRNA decay. As such, this alteration is interpreted as a disease-causing mutation.

Labcorp Genetics (formerly Invitae), Labcorp
Classification: Pathogenic for Hereditary breast ovarian cancer syndrome. Last evaluated: 2023-09-08. Review status: criteria provided, single submitter. Criteria: Invitae Variant Classification Sherloc (09022015). Collection method: clinical testing. Allele origin: germline. Not counted in ClinVar's aggregate classification.
Comment: This variant has not been reported in the literature in individuals affected with BRCA1-related conditions. This variant is not present in population databases (gnomAD no frequency). This sequence change creates a premature translational stop signal (p.Glu730Glyfs*10) in the BRCA1 gene. It is expected to result in an absent or disrupted protein product. Loss-of-function variants in BRCA1 are known to be pathogenic (PMID: 20104584). ClinVar contains an entry for this variant (Variation ID: 125542). For these reasons, this variant has been classified as Pathogenic.

CeGaT Center for Human Genetics Tuebingen
Classification: Pathogenic. Last evaluated: 2019-01-01. Review status: criteria provided, single submitter. Criteria: CeGaT Center For Human Genetics Tuebingen Variant Classification Criteria Version 2. Collection method: clinical testing. Allele origin: germline. Affected: yes. Observed: 1 variant allele. Not counted in ClinVar's aggregate classification.

Research Molecular Genetics Laboratory, Women's College Hospital, University of Toronto
Classification: Pathogenic for Hereditary breast ovarian cancer syndrome. Last evaluated: 2014-01-31. Review status: no assertion criteria provided. Collection method: research. Allele origin: germline. Affected: yes. Study: The Canadian Open Genetics Repository (COGR). Not counted in ClinVar's aggregate classification.

Breast Cancer Information Core (BIC) (BRCA1)
Classification: Pathogenic for Breast-ovarian cancer, familial 1. Last evaluated: 2002-05-29. Review status: no assertion criteria provided. Collection method: clinical testing. Allele origin: germline. Affected: yes. Observed: 2 variant alleles. Not counted in ClinVar's aggregate classification.

Literature cited by the submitters: PubMed 20104584 (cited by Labcorp Genetics (formerly Invitae), Labcorp).

NM_007294.4(BRCA1):c.2188dup (p.Glu730fs)

Gene: BRCA1 (BRCA1 DNA repair associated; minus strand). Cytogenetic location: 17q21.31.
Variant type: Duplication.
Coding change: c.2188dup on transcript NM_007294.4 (MANE Select); coding-DNA position 2188, one base duplicated (G; older notation c.2188dupG).
Protein change: p.Glu730fs; shifts the reading frame from glutamic acid 730.
Molecular consequence: frameshift variant. On other transcripts: intron variant (137).
Genome position (GRCh38, 1-based): chr17:43,093,343, C duplicated on the plus strand (G on the coding strand, the reverse complement: BRCA1 is on the minus strand). VCF-style (leftmost placement, unchanged base first): chr17-43093342-T-TC. GRCh37 (hg19) VCF-style: chr17-41245359-T-TC.
Other names: 2307insG; c.1975dup, p.Glu659fs (NM_001407571.1, NM_001407853.1, NM_001407894.1 and 9 more transcripts); c.2188dup, p.Glu730fs (NM_001407581.1, NM_001407582.1, NM_001407583.1 and 30 more transcripts); c.2185dup, p.Glu729fs (NM_001407587.1, NM_001407590.1, NM_001407611.1 and 22 more transcripts); c.2179dup, p.Glu727fs (NM_001407646.1, NM_001407647.1); c.2065dup, p.Glu689fs (NM_001407648.1, NM_001407664.1, NM_001407665.1 and 19 more transcripts); c.2062dup, p.Glu688fs (NM_001407649.1, NM_001407670.1, NM_001407671.1 and 11 more transcripts); c.2110dup, p.Glu704fs (NM_001407653.1, NM_001407654.1, NM_001407655.1 and 4 more transcripts); and 43 more; short protein forms E683fs, E730fs, E602fs, E603fs, E704fs, E562fs, E618fs, E660fs.
Identifiers: ClinVar variation 125542 (VCV000125542.48), dbSNP rs80357566, ClinGen allele CA001459.
Genomic context (GRCh38, chr17:43,093,342, plus strand): 5'-AGATCTTTGGGGTCTTCAGCATTATTAGACACTTTAACTGTTTCTAGTTTCTCTTCTTTT[T>TC]CTTCTCTTGGAAGGCTAGGATTGACAAATTCTTTAAGTTCACTGGTATTTGAACACTTAG-3'